The following is an entry in ClinVar:

NM_022437.3(ABCG8):c.514C>G (p.Gln172Glu)

Gene: ABCG8 (ATP binding cassette subfamily G member 8; plus strand). Cytogenetic location: 2p21.
Variant type: single nucleotide variant.
Coding change: c.514C>G on transcript NM_022437.3 (MANE Select); coding-DNA position 514, C replaced by G.
Protein change: p.Gln172Glu; replaces glutamine 172 with glutamic acid.
Molecular consequence: missense variant.
Genome position (GRCh38, 1-based): chr2:43,851,775, C>G. VCF-style: chr2-43851775-C-G. GRCh37 (hg19) VCF-style: chr2-44078914-C-G.
Other names: c.514C>G, p.Gln172Glu (NM_001357321.2); short protein forms Q172E.
Identifiers: ClinVar variation 4613341 (VCV004613341.1).

ClinVar aggregate classification (germline): Uncertain significance (1 of 4 stars; one submission).

Conditions:
Cardiovascular phenotype. Identifiers: MedGen CN230736.

gnomAD v4.1: 2 of 1,614,122 alleles (0.00012%); highest among the groups gnomAD compares: Non-Finnish European, 0.00017%; no homozygotes.

Submission:

Ambry Genetics
Classification: Uncertain significance for Cardiovascular phenotype. Last evaluated: 2025-10-26. Review status: criteria provided, single submitter. Criteria: Ambry Variant Classification Scheme 2023. Collection method: clinical testing. Allele origin: germline.
Comment: The p.Q172E variant (also known as c.514C>G), located in coding exon 4 of the ABCG8 gene, results from a C to G substitution at nucleotide position 514. The glutamine at codon 172 is replaced by glutamic acid, an amino acid with highly similar properties. This amino acid position is conserved. In addition, this alteration is predicted to be tolerated by in silico analysis. Based on the available evidence, the clinical significance of this variant remains unclear.